The following is an entry in ClinVar:

NM_058216.3(RAD51C):c.55C>A (p.Leu19Met)

Gene: RAD51C (RAD51 paralog C; plus strand). Cytogenetic location: 17q22.
Variant type: single nucleotide variant.
Coding change: c.55C>A on transcript NM_058216.3 (MANE Select); coding-DNA position 55, C replaced by A.
Protein change: p.Leu19Met; replaces leucine 19 with methionine.
Molecular consequence: missense variant. On other transcripts: non-coding transcript variant (1).
Genome position (GRCh38, 1-based): chr17:58,692,698, C>A. VCF-style: chr17-58692698-C-A. GRCh37 (hg19) VCF-style: chr17-56770059-C-A.
Other names: c.55C>A, p.Leu19Met (NM_002876.4); short protein forms L19M.
Identifiers: ClinVar variation 422986 (VCV000422986.2), dbSNP rs1064796141, ClinGen allele CA16620487.

ClinVar aggregate classification (germline): Uncertain significance (1 of 4 stars; one submission).

Submission:

GeneDx
Classification: Uncertain significance. Last evaluated: 2017-01-02. Review status: criteria provided, single submitter. Criteria: GeneDx Variant Classification (06012015). Collection method: clinical testing. Allele origin: germline. Affected: yes.
Comment: This variant is denoted RAD51C c.55C>A at the cDNA level, p.Leu19Met (L19M) at the protein level, and results in the change of a Leucine to a Methionine (CTG>ATG). This variant has not, to our knowledge, been published in the literature as pathogenic or benign. RAD51C Leu19Met was not observed in approximately 6,500 individuals of European and African American ancestry in the NHLBI Exome Sequencing Project, suggesting it is not a common benign variant in these populations. Since Leucine and Methionine share similar properties, this is considered a conservative amino acid substitution. RAD51C Leu19Met occurs at a position that is conserved across species and is located in a region required for Holliday junction resolution activity (UniProt). In silico analyses are inconsistent regarding the effect this variant may have on protein structure and function. Based on currently available evidence, it is unclear whether RAD51C Leu19Met is a pathogenic or benign variant. We consider it to be a variant of uncertain significance.